The following is an entry in ClinVar:

ClinVar aggregate classification (germline): Uncertain significance. Review status: criteria provided, multiple submitters, no conflicts (2 of 4 stars). 3 submissions from 3 submitters: Uncertain significance (3). Last evaluated 2025-11-05.

Allele frequency attached by ClinVar (database versions not stated): gnomAD exomes 0.00001; ExAC 0.00002; gnomAD 0.00002; TOPMed 0.00002.
gnomAD v4.1: 42 of 1,614,052 alleles (0.0026%); highest among the groups gnomAD compares: Non-Finnish European, 0.0033%; no homozygotes.

Submissions (3):

Ambry Genetics
Classification: Uncertain significance. Last evaluated: 2025-11-05. Review status: criteria provided, single submitter. Criteria: Ambry Variant Classification Scheme 2023. Collection method: clinical testing. Allele origin: germline.

Labcorp Genetics (formerly Invitae), Labcorp
Classification: Uncertain significance. Last evaluated: 2024-07-22. Review status: criteria provided, single submitter. Criteria: Invitae Variant Classification Sherloc (09022015). Collection method: clinical testing. Allele origin: germline.
Comment: This sequence change replaces leucine, which is neutral and non-polar, with arginine, which is basic and polar, at codon 221 of the CA4 protein (p.Leu221Arg). This variant is present in population databases (rs773370676, gnomAD 0.002%). This variant has not been reported in the literature in individuals affected with CA4-related conditions. ClinVar contains an entry for this variant (Variation ID: 1360656). Advanced modeling of protein sequence and biophysical properties (such as structural, functional, and spatial information, amino acid conservation, physicochemical variation, residue mobility, and thermodynamic stability) performed at Invitae indicates that this missense variant is not expected to disrupt CA4 protein function with a negative predictive value of 80%. In summary, the available evidence is currently insufficient to determine the role of this variant in disease. Therefore, it has been classified as a Variant of Uncertain Significance.

Blueprint Genetics
Classification: Uncertain significance. Last evaluated: 2020-08-24. Review status: criteria provided, single submitter. Criteria: ACMG Guidelines, 2015. Collection method: clinical testing. Allele origin: germline.

NM_000717.5(CA4):c.662T>G (p.Leu221Arg)

Gene: CA4 (carbonic anhydrase 4; plus strand). Cytogenetic location: 17q23.1.
Variant type: single nucleotide variant.
Coding change: c.662T>G on transcript NM_000717.5 (MANE Select); coding-DNA position 662, T replaced by G.
Protein change: p.Leu221Arg; replaces leucine 221 with arginine.
Molecular consequence: missense variant. On other transcripts: non-coding transcript variant (1).
Genome position (GRCh38, 1-based): chr17:60,158,364, T>G. VCF-style: chr17-60158364-T-G. GRCh37 (hg19) VCF-style: chr17-58235725-T-G.
Other names: c.662T>G (NM_000717.3); short protein forms L221R.
Identifiers: ClinVar variation 1360656 (VCV001360656.8), dbSNP rs773370676, ClinGen allele CA8685478.